The following is an entry in ClinVar:

NM_000337.6(SGCD):c.*4895G>A

Gene: SGCD (sarcoglycan delta; plus strand). Cytogenetic location: 5q33.3.
Variant type: single nucleotide variant.
Coding change: c.*4895G>A on transcript NM_000337.6 (MANE Select); 4895 bases downstream of the stop codon, G replaced by A.
Molecular consequence: 3 prime UTR variant.
Genome position (GRCh38, 1-based): chr5:156,764,285, G>A. VCF-style: chr5-156764285-G-A. GRCh37 (hg19) VCF-style: chr5-156191296-G-A.
Other names: c.*4895G>A (NM_001128209.2).
Identifiers: ClinVar variation 352397 (VCV000352397.7), dbSNP rs115905727, ClinGen allele CA10623867.

ClinVar aggregate classification (germline): Benign/Likely benign. Review status: criteria provided, multiple submitters, no conflicts (2 of 4 stars). 2 submissions from 2 submitters: Benign (1); Likely benign (1). Last evaluated 2018-01-13.

Conditions:
Qualitative or quantitative defects of delta-sarcoglycan. Identifiers: Orphanet 207070, MedGen C5680806, MONDO:0016144.

Allele frequency attached by ClinVar (database versions not stated): gnomAD 0.01677 and 0.01801; 1000 Genomes Project 0.01777; TOPMed 0.01874; 1000 Genomes Project 30x 0.01936.

Submissions (2):

Illumina Laboratory Services, Illumina
Classification: Benign for Qualitative or quantitative defects of delta-sarcoglycan. Last evaluated: 2018-01-13. Review status: criteria provided, single submitter. Criteria: ICSL Variant Classification Criteria 13 December 2019. Collection method: clinical testing. Allele origin: germline.
Comment: This variant was observed in the ICSL laboratory as part of a predisposition screen in an ostensibly healthy population. It had not been previously curated by ICSL or reported in the Human Gene Mutation Database (HGMD: prior to June 1st, 2018), and was therefore a candidate for classification through an automated scoring system. Utilizing variant allele frequency, disease prevalence and penetrance estimates, and inheritance mode, an automated score was calculated to assess if this variant is too frequent to cause the disease. Based on the score and internal cut-off values, a variant classified as benign is not then subjected to further curation. The score for this variant resulted in a classification of benign for this disease.

Breakthrough Genomics
Classification: Likely benign. Review status: criteria provided, single submitter. Criteria: ACMG Guidelines, 2015. Collection method: not provided. Allele origin: germline. Inheritance: Autosomal recessive inheritance. Affected: yes.